The following is an entry in ClinVar:

ClinVar aggregate classification (germline): Benign/Likely benign. Review status: criteria provided, multiple submitters, no conflicts (2 of 4 stars). 5 submissions from 5 submitters: Benign (1); Likely benign (4). Last evaluated 2025-06-15.

Conditions:
Familial cancer of breast. Also called: Hereditary breast cancer; hereditary breast carcinoma; BREAST CANCER, FAMILIAL. Identifiers: Orphanet 227535, MedGen C0346153, MONDO:0016419, OMIM 114480. Disease mechanism: loss of function.
Hereditary cancer-predisposing syndrome. Also called: Tumor predisposition; Neoplastic Syndromes, Hereditary; Hereditary neoplastic syndrome; Hereditary Cancer Syndrome. Identifiers: Orphanet 140162, MedGen C0027672, MeSH D009386, MONDO:0015356.

Allele frequency attached by ClinVar (database versions not stated): gnomAD exomes below 0.00001; TOPMed below 0.00001.
gnomAD v4.1: 4 of 1,614,206 alleles (0.00025%); highest among the groups gnomAD compares: Non-Finnish European, 0.00034%; no homozygotes.

Submissions (5):

Labcorp Genetics (formerly Invitae), Labcorp
Classification: Likely benign for Familial cancer of breast. Last evaluated: 2025-06-15. Review status: criteria provided, single submitter. Criteria: Invitae Variant Classification Sherloc (09022015). Collection method: clinical testing. Allele origin: germline.

Myriad Genetics, Inc.
Classification: Benign for Familial cancer of breast. Last evaluated: 2025-01-15. Review status: criteria provided, single submitter. Criteria: Myriad Autosomal Dominant, Autosomal Recessive and X-Linked Classification Criteria (2023). Collection method: clinical testing. Allele origin: unknown.
Comment: This variant is considered benign. This variant is a silent/synonymous amino acid change and it is not expected to impact splicing.

Ambry Genetics
Classification: Likely benign for Hereditary cancer-predisposing syndrome. Last evaluated: 2021-07-06. Review status: criteria provided, single submitter. Criteria: Ambry Variant Classification Scheme 2023. Collection method: clinical testing. Allele origin: germline.

Color Diagnostics, LLC DBA Color Health
Classification: Likely benign for Hereditary cancer-predisposing syndrome. Last evaluated: 2020-10-12. Review status: criteria provided, single submitter. Criteria: ACMG Guidelines, 2015. Collection method: clinical testing. Allele origin: germline.

GeneDx
Classification: Likely benign. Last evaluated: 2019-08-06. Review status: criteria provided, single submitter. Criteria: GeneDx Variant Classification Process June 2021. Collection method: clinical testing. Allele origin: germline. Affected: yes.

NM_024675.4(PALB2):c.2232A>G (p.Glu744=)

Gene: PALB2 (partner and localizer of BRCA2; minus strand). Cytogenetic location: 16p12.2.
Variant type: single nucleotide variant.
Coding change: c.2232A>G on transcript NM_024675.4 (MANE Select); coding-DNA position 2232, A replaced by G.
Protein change: p.Glu744=; no amino-acid change (glutamic acid 744 retained).
Molecular consequence: synonymous variant.
Genome position (GRCh38, 1-based): chr16:23,629,922, T>C on the plus strand (A>G on the coding strand, the complement: PALB2 is on the minus strand). VCF-style: chr16-23629922-T-C. GRCh37 (hg19) VCF-style: chr16-23641243-T-C.
Identifiers: ClinVar variation 1150471 (VCV001150471.18), dbSNP rs1047622969, ClinGen allele CA279492545.
Genomic context (GRCh38, chr16:23,629,922, plus strand): 5'-TTTCAAATGAGCAAGTTGGGGTGTGCAGCAAGTTCGTCCAGCAACTTCTGTAGATGCTTT[T>C]TCATAGGAGCCTTGAGGGCCAAAGGCTGGAGTAGTACCTAAGATGGGGAAAGCAGGTGAA-3'
Protein context (NP_078951.2, residues 734-754): TPAFGPQGSY[Glu744=]KASTEVAGRT